The following is an entry in ClinVar:

ClinVar aggregate classification (germline): Conflicting classifications of pathogenicity. Review status: criteria provided, conflicting classifications (1 of 4 stars). 3 submissions from 3 submitters: Uncertain significance (2); Likely benign (1). Last evaluated 2024-12-31.

Conditions:
Acute myeloid leukemia (AML). Also called: Leukemia, acute myeloid, somatic; Leukemia, acute myelogenous, somatic; Acute myeloid leukemia, adult; AML adult; Acute non-lymphocytic leukemia; Acute granulocytic leukemia. Identifiers: Orphanet 519, MedGen C0023467, MeSH D015470, MONDO:0018874, OMIM 601626, HP:0004808. Disease mechanism: Constitutively activated FLT3.
Inborn genetic diseases. Identifiers: MedGen C0950123, MeSH D030342.

Allele frequency attached by ClinVar (database versions not stated): TOPMed below 0.00001.

Submissions (3):

Ambry Genetics
Classification: Likely benign for Inborn genetic diseases. Last evaluated: 2024-12-31. Review status: criteria provided, single submitter. Criteria: Ambry Variant Classification Scheme 2023. Collection method: clinical testing. Allele origin: germline.

Baylor Genetics
Classification: Uncertain significance for Acute myeloid leukemia. Last evaluated: 2023-08-25. Review status: criteria provided, single submitter. Criteria: ACMG Guidelines, 2015. Collection method: clinical testing. Allele origin: unknown.

Labcorp Genetics (formerly Invitae), Labcorp
Classification: Uncertain significance for Acute myeloid leukemia. Last evaluated: 2021-06-28. Review status: criteria provided, single submitter. Criteria: Invitae Variant Classification Sherloc (09022015). Collection method: clinical testing. Allele origin: germline.
Comment: This variant has not been reported in the literature in individuals affected with CEBPA-related conditions. The frequency data for this variant in the population databases is considered unreliable, as metrics indicate insufficient coverage at this position in the ExAC database. This sequence change replaces histidine with tyrosine at codon 195 of the CEBPA protein (p.His195Tyr). The histidine residue is moderately conserved and there is a moderate physicochemical difference between histidine and tyrosine. ClinVar contains an entry for this variant (Variation ID: 1053973). In summary, the available evidence is currently insufficient to determine the role of this variant in disease. Therefore, it has been classified as a Variant of Uncertain Significance. Algorithms developed to predict the effect of missense changes on protein structure and function are either unavailable or do not agree on the potential impact of this missense change (SIFT: "Deleterious"; PolyPhen-2: "Possibly Damaging"; Align-GVGD: "Class C0").

NM_004364.5(CEBPA):c.583C>T (p.His195Tyr)

Gene: CEBPA (CCAAT enhancer binding protein alpha; minus strand). Cytogenetic location: 19q13.11.
Variant type: single nucleotide variant.
Coding change: c.583C>T on transcript NM_004364.5 (MANE Select); coding-DNA position 583, C replaced by T.
Protein change: p.His195Tyr; replaces histidine 195 with tyrosine.
Molecular consequence: missense variant.
Genome position (GRCh38, 1-based): chr19:33,301,832, G>A on the plus strand (C>T on the coding strand, the complement: CEBPA is on the minus strand). VCF-style: chr19-33301832-G-A. GRCh37 (hg19) VCF-style: chr19-33792738-G-A.
Other names: c.226C>T, p.His76Tyr (NM_001285829.2); c.688C>T, p.His230Tyr (NM_001287424.2); c.541C>T, p.His181Tyr (NM_001287435.2); c.583C>T (NM_004364.3); short protein forms H181Y, H195Y, H230Y, H76Y.
Identifiers: ClinVar variation 1053973 (VCV001053973.11), dbSNP rs1213752306, ClinGen allele CA405274644.
Genomic context (GRCh38, chr19:33,301,832, plus strand): 5'-GGCCGCAGTGCGCGATCTGGAACTGCAGGTGCGGGGCGGCCAGGTGCGCGGGCGGCGGGT[G>A]CGGGTGCGGGTGCGAGGGCGGCGGCGGCGGCGGCGGCTGGTAAGGGAAGAGGCCGGCCAG-3'
Protein context (NP_004355.2, residues 185-205): PPPPPSHPHP[His195Tyr]PPPAHLAAPH